The following is an entry in ClinVar:

ClinVar aggregate classification (germline): Uncertain significance. Review status: criteria provided, multiple submitters, no conflicts (2 of 4 stars). 3 submissions from 3 submitters: Uncertain significance (3). Last evaluated 2025-03-01.

Conditions:
Hereditary cancer-predisposing syndrome. Also called: Tumor predisposition; Neoplastic Syndromes, Hereditary; Hereditary Cancer Syndrome; Hereditary neoplastic syndrome. Identifiers: Orphanet 140162, MedGen C0027672, MeSH D009386, MONDO:0015356.

gnomAD v4.1: 3 of 1,609,520 alleles (0.00019%); highest among the groups gnomAD compares: Non-Finnish European, 0.00025%; no homozygotes.

Submissions (3):

Ambry Genetics
Classification: Uncertain significance for Hereditary cancer-predisposing syndrome. Last evaluated: 2025-03-01. Review status: criteria provided, single submitter. Criteria: Ambry Variant Classification Scheme 2023. Collection method: clinical testing. Allele origin: germline.
Comment: The p.R712G variant (also known as c.2134C>G), located in coding exon 19 of the POLE gene, results from a C to G substitution at nucleotide position 2134. The arginine at codon 712 is replaced by glycine, an amino acid with dissimilar properties. This amino acid position is conserved. In addition, the in silico prediction for this alteration is inconclusive. Based on the available evidence, the clinical significance of this variant remains unclear.

Labcorp Genetics (formerly Invitae), Labcorp
Classification: Uncertain significance. Last evaluated: 2023-12-05. Review status: criteria provided, single submitter. Criteria: Invitae Variant Classification Sherloc (09022015). Collection method: clinical testing. Allele origin: germline.
Comment: This sequence change replaces arginine, which is basic and polar, with glycine, which is neutral and non-polar, at codon 712 of the POLE protein (p.Arg712Gly). This variant is present in population databases (rs749194160, gnomAD 0.0009%). This variant has not been reported in the literature in individuals affected with POLE-related conditions. ClinVar contains an entry for this variant (Variation ID: 240426). Advanced modeling of protein sequence and biophysical properties (such as structural, functional, and spatial information, amino acid conservation, physicochemical variation, residue mobility, and thermodynamic stability) performed at Invitae indicates that this missense variant is not expected to disrupt POLE protein function with a negative predictive value of 80%. In summary, the available evidence is currently insufficient to determine the role of this variant in disease. Therefore, it has been classified as a Variant of Uncertain Significance.

Quest Diagnostics Nichols Institute San Juan Capistrano
Classification: Uncertain significance. Last evaluated: 2018-10-17. Review status: criteria provided, single submitter. Criteria: Quest Diagnostics criteria. Collection method: clinical testing. Allele origin: germline.

NM_006231.4(POLE):c.2134C>G (p.Arg712Gly)

Gene: POLE (DNA polymerase epsilon, catalytic subunit; minus strand). Cytogenetic location: 12q24.33.
Variant type: single nucleotide variant.
Coding change: c.2134C>G on transcript NM_006231.4 (MANE Select); coding-DNA position 2134, C replaced by G.
Protein change: p.Arg712Gly; replaces arginine 712 with glycine.
Molecular consequence: missense variant.
Genome position (GRCh38, 1-based): chr12:132,668,395, G>C on the plus strand (C>G on the coding strand, the complement: POLE is on the minus strand). VCF-style: chr12-132668395-G-C. GRCh37 (hg19) VCF-style: chr12-133244981-G-C.
Other names: short protein forms R712G.
Identifiers: ClinVar variation 240426 (VCV000240426.11), dbSNP rs749194160, ClinGen allele CA6893672.